The following is an entry in ClinVar:

NM_000203.5(IDUA):c.590-2A>C

Gene: IDUA (alpha-L-iduronidase; plus strand). Cytogenetic location: 4p16.3.
Variant type: single nucleotide variant.
Coding change: c.590-2A>C on transcript NM_000203.5 (MANE Select); the canonical splice acceptor site of the intron before coding-DNA position 590, A replaced by C.
Molecular consequence: splice acceptor variant.
Genome position (GRCh38, 1-based): chr4:1,001,677, A>C. VCF-style: chr4-1001677-A-C. GRCh37 (hg19) VCF-style: chr4-995465-A-C.
Other names: c.194-2A>C (NM_001363576.1).
Identifiers: ClinVar variation 5003820 (VCV005003820.1).

ClinVar aggregate classification (germline): Likely pathogenic (1 of 4 stars; one submission).

Conditions:
Mucopolysaccharidosis type 1. Also called: IDUA deficiency; MPS I; Mucopolysaccharidosis Type I. Identifiers: Orphanet 579, MedGen C0023786, MONDO:0001586.

gnomAD v4.1: 1 of 1,601,642 alleles (0.000062%); highest among the groups gnomAD compares: East Asian, 0.0022%; no homozygotes.

Submission:

Myriad Genetics, Inc.
Classification: Likely pathogenic for Mucopolysaccharidosis type 1. Last evaluated: 2026-03-09. Review status: criteria provided, single submitter. Criteria: Myriad Autosomal Dominant, Autosomal Recessive and X-Linked Classification Criteria (2023). Collection method: clinical testing. Allele origin: unknown.
Comment: NM_000203.3(IDUA):c.590-2A>C is a variant in a canonical splice site classified as likely pathogenic in the context of mucopolysaccharidosis type I. c.590-2A>C has been observed in a case with relevant disease (PMID: 32014045). Relevant functional assessments of this variant are not available in the literature. c.590-2A>C has been observed in referenced population frequency databases. In summary, NM_000203.3(IDUA):c.590-2A>C is a variant in a canonical splice site in a gene where loss of function is a known mechanism of disease, is predicted to disrupt protein function, and has been observed more frequently in cases with the relevant disease than in healthy populations. Please note: this variant was assessed in the context of healthy population screening.

Literature cited by the submitters: PubMed 32014045.